The following is an entry in ClinVar:

NM_001267550.2(TTN):c.60345T>A (p.Asp20115Glu)

Genes: TTN (titin; minus strand), TTN-AS1 (TTN antisense RNA 1; plus strand). Cytogenetic location: 2q31.2.
Variant type: single nucleotide variant.
Coding change: c.60345T>A on transcript NM_001267550.2 (MANE Select); coding-DNA position 60345, T replaced by A.
Protein change: p.Asp20115Glu; replaces aspartic acid 20115 with glutamic acid.
Molecular consequence: missense variant.
Genome position (GRCh38, 1-based): chr2:178,591,380, A>T on the plus strand (T>A on the coding strand, the complement: TTN is on the minus strand). VCF-style: chr2-178591380-A-T. GRCh37 (hg19) VCF-style: chr2-179456107-A-T.
Other names: p.D18474E:GAT>GAA; c.55422T>A, p.Asp18474Glu (NM_001256850.1); c.33150T>A, p.Asp11050Glu (NM_003319.4); c.52641T>A, p.Asp17547Glu (NM_133378.4); c.33525T>A, p.Asp11175Glu (NM_133432.3); c.33726T>A, p.Asp11242Glu (NM_133437.4); short protein forms D18474E, D20115E, D11242E, D17547E, D11050E, D11175E.
Identifiers: ClinVar variation 202751 (VCV000202751.6), dbSNP rs376618165, ClinGen allele CA310173.

ClinVar aggregate classification (germline): Uncertain significance. Review status: criteria provided, multiple submitters, no conflicts (2 of 4 stars). 3 submissions from 3 submitters: Uncertain significance (3). Last evaluated 2022-03-28.

Conditions:
Myopathy, myofibrillar, 9, with early respiratory failure (MFM9). Also called: EDSTROM MYOPATHY; MYOPATHY, PROXIMAL, WITH EARLY RESPIRATORY MUSCLE INVOLVEMENT; Myopathy, distal, with early respiratory failure, autosomal dominant; Hereditary myopathy with early respiratory failure. Identifiers: Orphanet 178464, Orphanet 34521, MedGen C1863599, MONDO:0011362, OMIM 603689.
Early-onset myopathy with fatal cardiomyopathy (CMYO5). Also called: CONGENITAL MYOPATHY 5 WITH CARDIOMYOPATHY; Salih Myopathy. Identifiers: Orphanet 289377, MedGen C2673677, MONDO:0012714, OMIM 611705. Disease mechanism: loss of function.
Hypertrophic cardiomyopathy 9. Also called: Familial hypertrophic cardiomyopathy 9. Identifiers: MedGen C1861065, MONDO:0013412, OMIM 613765.
Dilated cardiomyopathy 1G (CMD1G). Identifiers: Orphanet 154, MedGen C1858763, MONDO:0011400, OMIM 604145.
Tibial muscular dystrophy (TMD). Also called: UDD MYOPATHY; Tibial muscular dystrophy, tardive; Udd Distal Myopathy – Tibial Muscular Dystrophy. Identifiers: Orphanet 609, MedGen C1838244, MONDO:0010870, OMIM 600334.
Autosomal recessive limb-girdle muscular dystrophy type 2J (LGMDR10). Also called: MUSCULAR DYSTROPHY, LIMB-GIRDLE, AUTOSOMAL RECESSIVE 10; Limb-girdle muscular dystrophy, type 2J. Identifiers: Orphanet 140922, MedGen C1837342, MONDO:0012127, OMIM 608807.

Allele frequency attached by ClinVar (database versions not stated): TOPMed 0.00001.
gnomAD v4.1: 39 of 1,613,210 alleles (0.0024%); highest among the groups gnomAD compares: Non-Finnish European, 0.0032%; no homozygotes.

Submissions (3):

Revvity Omics, Revvity
Classification: Uncertain significance. Last evaluated: 2022-03-28. Review status: criteria provided, single submitter. Criteria: ACMG Guidelines, 2015. Collection method: clinical testing. Allele origin: germline.

Fulgent Genetics
Classification: Uncertain significance for Tibial muscular dystrophy; Myopathy, myofibrillar, 9, with early respiratory failure; Dilated cardiomyopathy 1G; Autosomal recessive limb-girdle muscular dystrophy type 2J; Early-onset myopathy with fatal cardiomyopathy; Hypertrophic cardiomyopathy 9. Last evaluated: 2021-08-27. Review status: criteria provided, single submitter. Criteria: ACMG Guidelines, 2015. Collection method: clinical testing. Allele origin: unknown.

GeneDx
Classification: Uncertain significance. Last evaluated: 2015-10-26. Review status: criteria provided, single submitter. Criteria: GeneDx Variant Classification (06012015). Collection method: clinical testing. Allele origin: germline. Affected: yes.
Comment: Missense variants in the TTN gene are considered 'unclassified' if they are not previously reported in the literature and do not have >1% frequency in the population to be considered a polymorphism. Research indicates that truncating mutations in the TTN gene are expected to account for approximately 25% of familial and 18% of sporadic idiopathic DCM; however, truncating variants in the TTN gene have been reported in approximately 3% of reported control alleles. There has been little investigation into non-truncating variants. (Herman D et al. Truncations of titin causing dilated cardiomyopathy. N Eng J Med 366:619-628, 2012) The variant is found in CARDIOMYOPATHY panel(s).